The following is an entry in ClinVar:

ClinVar aggregate classification (germline): Uncertain significance. Review status: criteria provided, multiple submitters, no conflicts (2 of 4 stars). 2 submissions from 2 submitters: Uncertain significance (2). Last evaluated 2022-10-12.

Conditions:
Inborn genetic diseases. Identifiers: MedGen C0950123, MeSH D030342.

Allele frequency attached by ClinVar (database versions not stated): gnomAD exomes below 0.00001.
gnomAD v4.1: 1 of 1,613,504 alleles (0.000062%); highest among the groups gnomAD compares: Non-Finnish European, 0.000085%; no homozygotes.

Submissions (2):

Ambry Genetics
Classification: Uncertain significance for Inborn genetic diseases. Last evaluated: 2022-10-12. Review status: criteria provided, single submitter. Criteria: Ambry Variant Classification Scheme 2023. Collection method: clinical testing. Allele origin: germline.

Labcorp Genetics (formerly Invitae), Labcorp
Classification: Uncertain significance. Last evaluated: 2021-06-01. Review status: criteria provided, single submitter. Criteria: Invitae Variant Classification Sherloc (09022015). Collection method: clinical testing. Allele origin: germline.
Comment: This variant is not present in population databases (ExAC no frequency). This sequence change replaces alanine with threonine at codon 897 of the GUCY2C protein (p.Ala897Thr). The alanine residue is highly conserved and there is a small physicochemical difference between alanine and threonine. This variant has not been reported in the literature in individuals with GUCY2C-related conditions. Algorithms developed to predict the effect of missense changes on protein structure and function are either unavailable or do not agree on the potential impact of this missense change (SIFT: "Deleterious"; PolyPhen-2: "Probably Damaging"; Align-GVGD: "Class C0"). In summary, the available evidence is currently insufficient to determine the role of this variant in disease. Therefore, it has been classified as a Variant of Uncertain Significance.

NM_004963.4(GUCY2C):c.2689G>A (p.Ala897Thr)

Gene: GUCY2C (guanylate cyclase 2C; minus strand). Cytogenetic location: 12p12.3.
Variant type: single nucleotide variant.
Coding change: c.2689G>A on transcript NM_004963.4 (MANE Select); coding-DNA position 2689, G replaced by A.
Protein change: p.Ala897Thr; replaces alanine 897 with threonine.
Molecular consequence: missense variant.
Genome position (GRCh38, 1-based): chr12:14,621,129, C>T on the plus strand (G>A on the coding strand, the complement: GUCY2C is on the minus strand). VCF-style: chr12-14621129-C-T. GRCh37 (hg19) VCF-style: chr12-14774063-C-T.
Other names: c.2689G>A (NM_004963.3); short protein forms A897T.
Identifiers: ClinVar variation 1506617 (VCV001506617.9), dbSNP rs1946887467, ClinGen allele CA383994399.